The following is an entry in ClinVar:

NM_018979.4(WNK1):c.6152G>T (p.Ser2051Ile)

Gene: WNK1 (WNK lysine deficient protein kinase 1; plus strand). Cytogenetic location: 12p13.33.
Variant type: single nucleotide variant.
Coding change: c.6152G>T on transcript NM_018979.4 (MANE Select); coding-DNA position 6152, G replaced by T.
Protein change: p.Ser2051Ile; replaces serine 2051 with isoleucine.
Molecular consequence: missense variant.
Genome position (GRCh38, 1-based): chr12:896,639, G>T. VCF-style: chr12-896639-G-T. GRCh37 (hg19) VCF-style: chr12-1005805-G-T.
Other names: c.6932G>T, p.Ser2311Ile (NM_001184985.2); c.5408G>T, p.Ser1803Ile (NM_014823.3); c.6908G>T, p.Ser2303Ile (NM_213655.5); short protein forms S2051I, S2303I, S2311I, S1803I.
Identifiers: ClinVar variation 471205 (VCV000471205.4), dbSNP rs561238194, ClinGen allele CA6383342.

ClinVar aggregate classification (germline): Uncertain significance. Review status: criteria provided, multiple submitters, no conflicts (2 of 4 stars). 2 submissions from 2 submitters: Uncertain significance (2). Last evaluated 2024-10-09.

Conditions:
Neuropathy, hereditary sensory and autonomic, type 2A (HSAN2A). Also called: WNK1-Related HSAN2 (HSAN2A); ACROOSTEOLYSIS, GIACCAI TYPE; ACROOSTEOLYSIS, NEUROGENIC; MORVAN DISEASE; NEUROPATHY, CONGENITAL SENSORY; NEUROPATHY, HEREDITARY SENSORY RADICULAR, AUTOSOMAL RECESSIVE. Identifiers: Orphanet 970, MedGen C2752089, MONDO:0024309, OMIM 201300.
Pseudohypoaldosteronism type 2C (PHA2C). Also called: Pseudohypoaldosteronism Type IIC. Identifiers: Orphanet 757, Orphanet 88940, MedGen C1840391, MONDO:0013778, OMIM 614492.

gnomAD v4.1: 3 of 1,608,388 alleles (0.00019%); highest among the groups gnomAD compares: Non-Finnish European, 0.00025%; no homozygotes.

Submissions (2):

Blueprint Genetics
Classification: Uncertain significance. Last evaluated: 2024-10-09. Review status: criteria provided, single submitter. Criteria: ACMG Guidelines, 2015. Collection method: clinical testing. Allele origin: germline.

Labcorp Genetics (formerly Invitae), Labcorp
Classification: Uncertain significance for Neuropathy, hereditary sensory and autonomic, type 2A; Pseudohypoaldosteronism type 2C. Last evaluated: 2022-11-04. Review status: criteria provided, single submitter. Criteria: Invitae Variant Classification Sherloc (09022015). Collection method: clinical testing. Allele origin: germline.
Comment: Advanced modeling of protein sequence and biophysical properties (such as structural, functional, and spatial information, amino acid conservation, physicochemical variation, residue mobility, and thermodynamic stability) performed at Invitae indicates that this missense variant is not expected to disrupt WNK1 protein function. In summary, the available evidence is currently insufficient to determine the role of this variant in disease. Therefore, it has been classified as a Variant of Uncertain Significance. ClinVar contains an entry for this variant (Variation ID: 471205). This variant has not been reported in the literature in individuals affected with WNK1-related conditions. This variant is present in population databases (rs561238194, gnomAD 0.0009%). This sequence change replaces serine, which is neutral and polar, with isoleucine, which is neutral and non-polar, at codon 2303 of the WNK1 protein (p.Ser2303Ile).